The following is an entry in ClinVar:

NM_005883.3(APC2):c.2705G>A (p.Arg902Gln)

Gene: APC2 (APC regulator of Wnt signaling pathway 2; plus strand). Cytogenetic location: 19p13.3.
Variant type: single nucleotide variant.
Coding change: c.2705G>A on transcript NM_005883.3 (MANE Select); coding-DNA position 2705, G replaced by A.
Protein change: p.Arg902Gln; replaces arginine 902 with glutamine.
Molecular consequence: missense variant.
Genome position (GRCh38, 1-based): chr19:1,466,006, G>A. VCF-style: chr19-1466006-G-A. GRCh37 (hg19) VCF-style: chr19-1466005-G-A.
Other names: c.2702G>A, p.Arg901Gln (NM_001351273.1); short protein forms R901Q, R902Q.
Identifiers: ClinVar variation 3360058 (VCV003360058.2).

ClinVar aggregate classification (germline): Uncertain significance. Review status: criteria provided, multiple submitters, no conflicts (2 of 4 stars). 2 submissions from 2 submitters: Uncertain significance (2). Last evaluated 2025-07-01.

Conditions:
Inborn genetic diseases. Identifiers: MedGen C0950123, MeSH D030342.

gnomAD v4.1: 38 of 1,501,470 alleles (0.0025%); highest among the groups gnomAD compares: Non-Finnish European, 0.0033%; no homozygotes.

Submissions (2):

Ambry Genetics
Classification: Uncertain significance for Inborn genetic diseases. Last evaluated: 2025-07-01. Review status: criteria provided, single submitter. Criteria: Ambry Variant Classification Scheme 2023. Collection method: clinical testing. Allele origin: germline.

GeneDx
Classification: Uncertain significance. Last evaluated: 2023-06-21. Review status: criteria provided, single submitter. Criteria: GeneDx Variant Classification Process June 2021. Collection method: clinical testing. Allele origin: germline. Affected: yes.
Comment: In silico analysis supports that this missense variant does not alter protein structure/function; Has not been previously published as pathogenic or benign to our knowledge